The following is an entry in ClinVar:

ClinVar aggregate classification (germline): Pathogenic. Review status: no assertion criteria provided (0 of 4 stars). 2 submissions from 2 submitters: Pathogenic (1). 1 of the submissions does not count toward it.

Conditions:
Familial long QT syndrome (RWS). Also called: Congenital long QT syndrome; Romano-Ward syndrome; VENTRICULAR FIBRILLATION WITH PROLONGED QT INTERVAL. Identifiers: Orphanet 768, MedGen C1141890, MONDO:0019171.

Submissions (2):

Biology Molecular and Stem Cell Facilities Laboratory, National Cardiovascular Center, Harapan Kita Hospital
Classification: Pathogenic for Familial long QT syndrome. Review status: no assertion criteria provided. Collection method: research. Allele origin: germline. Affected: yes.
Comment: Allele Freq Eas (0) ; Sift: deleterious (0); PolyPhen: benign (0.379)

Cardiovascular Biomedical Research Unit, Royal Brompton & Harefield NHS Foundation Trust
No classification provided. Condition: Familial long QT syndrome. Review status: no classification provided. Collection method: literature only. Allele origin: germline. Not counted in ClinVar's aggregate classification.
Comment: This variant has been reported as associated with Long QT syndrome in the following publications (PMID:15699249;PMID:15851228;PMID:21536673;PMID:22396785). This is a literature report, and does not necessarily reflect the clinical interpretation of the Imperial College / Royal Brompton Cardiovascular Genetics laboratory.

Literature cited by the submitters: PubMed 22581653 (cited by Biology Molecular and Stem Cell Facilities Laboratory, National Cardiovascular Center, Harapan Kita Hospital and Cardiovascular Biomedical Research Unit, Royal Brompton & Harefield NHS Foundation Trust); PubMed 15699249 (cited by Biology Molecular and Stem Cell Facilities Laboratory, National Cardiovascular Center, Harapan Kita Hospital and Cardiovascular Biomedical Research Unit, Royal Brompton & Harefield NHS Foundation Trust); PubMed 15851228 (cited by Biology Molecular and Stem Cell Facilities Laboratory, National Cardiovascular Center, Harapan Kita Hospital and Cardiovascular Biomedical Research Unit, Royal Brompton & Harefield NHS Foundation Trust); PubMed 21536673 (cited by Cardiovascular Biomedical Research Unit, Royal Brompton & Harefield NHS Foundation Trust); PubMed 22396785 (cited by Cardiovascular Biomedical Research Unit, Royal Brompton & Harefield NHS Foundation Trust).

NM_000238.4(KCNH2):c.82A>G (p.Lys28Glu)

Gene: KCNH2 (potassium voltage-gated channel subfamily H member 2; minus strand). Cytogenetic location: 7q36.1.
Variant type: single nucleotide variant.
Coding change: c.82A>G on transcript NM_000238.4 (MANE Select); coding-DNA position 82, A replaced by G.
Protein change: p.Lys28Glu; replaces lysine 28 with glutamic acid.
Molecular consequence: missense variant.
Genome position (GRCh38, 1-based): chr7:150,974,936, T>C on the plus strand (A>G on the coding strand, the complement: KCNH2 is on the minus strand). VCF-style: chr7-150974936-T-C. GRCh37 (hg19) VCF-style: chr7-150672024-T-C.
Other names: c.82A>G (LRG_288t1); c.-96A>G (NM_001406755.1); c.82A>G, p.Lys28Glu (NM_172056.3); short protein forms K28E.
Identifiers: ClinVar variation 67532 (VCV000067532.5), dbSNP rs199472829, ClinGen allele CA008871.